The following is an entry in ClinVar:

NM_133372.3(FNIP1):c.1933G>A (p.Asp645Asn)

Gene: FNIP1 (folliculin interacting protein 1; minus strand). Cytogenetic location: 5q31.1.
Variant type: single nucleotide variant.
Coding change: c.1933G>A on transcript NM_133372.3 (MANE Select); coding-DNA position 1933, G replaced by A.
Protein change: p.Asp645Asn; replaces aspartic acid 645 with asparagine.
Molecular consequence: missense variant.
Genome position (GRCh38, 1-based): chr5:131,672,511, C>T on the plus strand (G>A on the coding strand, the complement: FNIP1 is on the minus strand). VCF-style: chr5-131672511-C-T. GRCh37 (hg19) VCF-style: chr5-131008204-C-T.
Other names: c.1849G>A, p.Asp617Asn (NM_001008738.3); c.1798G>A, p.Asp600Asn (NM_001346114.2); short protein forms D600N, D617N, D645N.
Identifiers: ClinVar variation 4716695 (VCV004716695.1).
Genomic context (GRCh38, chr5:131,672,511, plus strand): 5'-GTTTAACATCAACAGCATTTTCTTCTTGGCAGTCAGAAGGAGAAATCATCTGGCACTCAT[C>T]TGAAATTCCTAGCAGCTCCTTAGAGCTGTTTTGAATATCTTCTCTCTCTTGTTGTGAAAT-3'
Protein context (NP_588613.3, residues 635-655): NSSKELLGIS[Asp645Asn]ECQMISPSDC

ClinVar aggregate classification (germline): Uncertain significance (1 of 4 stars; one submission).

Submission:

Labcorp Genetics (formerly Invitae), Labcorp
Classification: Uncertain significance. Last evaluated: 2025-06-12. Review status: criteria provided, single submitter. Criteria: Invitae Variant Classification Sherloc (09022015). Collection method: clinical testing. Allele origin: germline.
Comment: This sequence change replaces aspartic acid, which is acidic and polar, with asparagine, which is neutral and polar, at codon 645 of the FNIP1 protein (p.Asp645Asn). This variant is not present in population databases (gnomAD no frequency). This variant has not been reported in the literature in individuals affected with FNIP1-related conditions. An algorithm developed to predict the effect of missense changes on protein structure and function (PolyPhen-2) suggests that this variant is likely to be tolerated. In summary, the available evidence is currently insufficient to determine the role of this variant in disease. Therefore, it has been classified as a Variant of Uncertain Significance.